The following is an entry in ClinVar:

ClinVar aggregate classification (germline): Benign. Review status: criteria provided, multiple submitters, no conflicts (2 of 4 stars). 18 submissions from 17 submitters: Benign (15). 3 of the submissions do not count toward it. Last evaluated 2026-02-04.

Conditions:
Retinal dystrophy. Also called: Inherited retinal dystrophy. Identifiers: Orphanet 71862, MedGen C0854723, MeSH D058499, MONDO:0019118, HP:0000556.
Retinitis pigmentosa (RP). Identifiers: Orphanet 791, MedGen C0035334, MeSH D012174, MONDO:0019200, OMIM 268000. Inheritance: Autosomal dominant, autosomal recessive and X linked inheritance.
Usher syndrome type 2A. Also called: USHER SYNDROME, TYPE IIA; RETINAL DISEASE IN USHER SYNDROME TYPE IIA, MODIFIER OF. Identifiers: Orphanet 231178, Orphanet 886, MedGen C1848634, MONDO:0010169, OMIM 276901.

Allele frequency attached by ClinVar (database versions not stated): gnomAD exomes 0.72864 and 0.71829; ExAC 0.72929; gnomAD 0.73169 and 0.73250; 1000 Genomes Project 30x 0.75828; 1000 Genomes Project 0.76118; ESP Exome Variant Server 0.71898; TOPMed 0.72683.
gnomAD v4.1: 1,161,055 of 1,613,698 alleles (72%); highest among the groups gnomAD compares: East Asian, 84%; 418,913 homozygotes.

Submissions (18):

Labcorp Genetics (formerly Invitae), Labcorp
Classification: Benign. Last evaluated: 2026-02-04. Review status: criteria provided, single submitter. Criteria: Invitae Variant Classification Sherloc (09022015). Collection method: clinical testing. Allele origin: germline.

Genomic Medicine Center of Excellence, King Faisal Specialist Hospital and Research Centre
Classification: Benign for Usher syndrome type 2A. Last evaluated: 2024-12-19. Review status: criteria provided, single submitter. Criteria: ACMG Guidelines, 2015. Collection method: clinical testing. Allele origin: germline.

Blueprint Genetics
Classification: Benign. Last evaluated: 2024-11-26. Review status: criteria provided, single submitter. Criteria: ACMG Guidelines, 2015. Collection method: clinical testing. Allele origin: germline.

ARUP Laboratories, Molecular Genetics and Genomics, ARUP Laboratories
Classification: Benign. Last evaluated: 2023-11-29. Review status: criteria provided, single submitter. Criteria: ARUP Molecular Germline Variant Investigation Process 2024. Collection method: clinical testing. Allele origin: germline.

Dept Of Ophthalmology, Nagoya University
Classification: Benign for Retinal dystrophy. Last evaluated: 2023-10-01. Review status: criteria provided, single submitter. Criteria: Submitter's publication. Collection method: research. Allele origin: germline. Affected: yes.

Women's Health and Genetics/Laboratory Corporation of America, LabCorp
Classification: Benign. Last evaluated: 2023-04-10. Review status: criteria provided, single submitter. Criteria: LabCorp Variant Classification Summary - May 2015. Collection method: clinical testing. Allele origin: germline.

Genome-Nilou Lab
Classification: Benign for Usher syndrome type 2A. Last evaluated: 2021-07-01. Review status: criteria provided, single submitter. Criteria: ACMG Guidelines, 2015. Collection method: clinical testing. Allele origin: germline. Affected: no.

Mayo Clinic Laboratories, Mayo Clinic
Classification: Benign. Last evaluated: 2019-06-04. Review status: criteria provided, single submitter. Criteria: ACMG Guidelines, 2015. Collection method: clinical testing. Allele origin: germline. Observed: 146 variant alleles.

Illumina Laboratory Services, Illumina
Classification: Benign for Usher syndrome type 2A. Last evaluated: 2018-01-13. Review status: criteria provided, single submitter. Criteria: ICSL Variant Classification Criteria 13 December 2019. Collection method: clinical testing. Allele origin: germline.
Comment: This variant was observed in the ICSL laboratory as part of a predisposition screen in an ostensibly healthy population. It had not been previously curated by ICSL or reported in the Human Gene Mutation Database (HGMD: prior to June 1st, 2018), and was therefore a candidate for classification through an automated scoring system. Utilizing variant allele frequency, disease prevalence and penetrance estimates, and inheritance mode, an automated score was calculated to assess if this variant is too frequent to cause the disease. Based on the score and internal cut-off values, a variant classified as benign is not then subjected to further curation. The score for this variant resulted in a classification of benign for this disease.

Illumina Laboratory Services, Illumina
Classification: Benign for Retinitis pigmentosa. Last evaluated: 2018-01-13. Review status: criteria provided, single submitter. Criteria: ICSL Variant Classification Criteria 13 December 2019. Collection method: clinical testing. Allele origin: germline.
Comment: the same text as in the submission from Illumina Laboratory Services, Illumina above.

GeneDx
Classification: Benign. Last evaluated: 2015-03-12. Review status: criteria provided, single submitter. Criteria: GeneDx Variant Classification (06012015). Collection method: clinical testing. Allele origin: germline. Affected: yes.
Comment: This variant is considered likely benign or benign based on one or more of the following criteria: it is a conservative change, it occurs at a poorly conserved position in the protein, it is predicted to be benign by multiple in silico algorithms, and/or has population frequency not consistent with disease.

Eurofins Ntd Llc (ga)
Classification: Benign. Last evaluated: 2014-09-03. Review status: criteria provided, single submitter. Criteria: EGL Classification Definitions 2015. Collection method: clinical testing. Allele origin: germline. Observed: 1 variant allele, 1 heterozygote.

Laboratory for Molecular Medicine, Mass General Brigham Personalized Medicine
Classification: Benign. Last evaluated: 2008-02-19. Review status: criteria provided, single submitter. Criteria: LMM Criteria. Collection method: clinical testing. Allele origin: germline. Observed: 2,032 variant alleles.

Breakthrough Genomics
Classification: Benign. Review status: criteria provided, single submitter. Criteria: ACMG Guidelines, 2015. Collection method: not provided. Allele origin: germline. Inheritance: Autosomal recessive inheritance. Affected: yes.

PreventionGenetics, part of Exact Sciences
Classification: Benign. Review status: criteria provided, single submitter. Criteria: ACMG Guidelines, 2015. Collection method: clinical testing. Allele origin: germline.

Natera, Inc.
Classification: Benign for Usher syndrome type 2A. Last evaluated: 2020-09-16. Review status: no assertion criteria provided. Collection method: clinical testing. Allele origin: germline. Not counted in ClinVar's aggregate classification.

Diagnostic Laboratory, Department of Genetics, University Medical Center Groningen
Classification: Benign. Review status: no assertion criteria provided. Collection method: clinical testing. Allele origin: germline. Affected: yes. Study: VKGL Data-share Consensus. Not counted in ClinVar's aggregate classification.

Joint Genome Diagnostic Labs from Nijmegen and Maastricht, Radboudumc and MUMC+
Classification: Benign. Review status: no assertion criteria provided. Collection method: clinical testing. Allele origin: germline. Affected: yes. Study: VKGL Data-share Consensus. Not counted in ClinVar's aggregate classification.

NM_206933.4(USH2A):c.373G>A (p.Ala125Thr)

Gene: USH2A (usherin; minus strand). Cytogenetic location: 1q41.
Variant type: single nucleotide variant.
Coding change: c.373G>A on transcript NM_206933.4 (MANE Select); coding-DNA position 373, G replaced by A.
Protein change: p.Ala125Thr; replaces alanine 125 with threonine.
Molecular consequence: missense variant.
Genome position (GRCh38, 1-based): chr1:216,421,964, C>T on the plus strand (G>A on the coding strand, the complement: USH2A is on the minus strand). VCF-style: chr1-216421964-C-T. GRCh37 (hg19) VCF-style: chr1-216595306-C-T.
Other names: p.A125T:GCA>ACA; c.373G>A, p.Ala125Thr (NM_007123.6); short protein forms A125T.
Identifiers: ClinVar variation 48507 (VCV000048507.47), dbSNP rs10779261, ClinGen allele CA143469.